The following is an entry in ClinVar:

NM_003036.4(SKI):c.1991C>T (p.Ser664Leu)

Gene: SKI (SKI proto-oncogene; plus strand). Cytogenetic location: 1p36.32.
Variant type: single nucleotide variant.
Coding change: c.1991C>T on transcript NM_003036.4 (MANE Select); coding-DNA position 1991, C replaced by T.
Protein change: p.Ser664Leu; replaces serine 664 with leucine.
Molecular consequence: missense variant.
Genome position (GRCh38, 1-based): chr1:2,306,243, C>T. VCF-style: chr1-2306243-C-T. GRCh37 (hg19) VCF-style: chr1-2237682-C-T.
Other names: short protein forms S664L.
Identifiers: ClinVar variation 1311606 (VCV001311606.2), dbSNP rs1306616273, ClinGen allele CA337959408.

ClinVar aggregate classification (germline): Uncertain significance (1 of 4 stars; one submission).

Allele frequency attached by ClinVar (database versions not stated): TOPMed below 0.00001; gnomAD 0.00001.
gnomAD v4.1: 2 of 1,553,752 alleles (0.00013%); highest among the groups gnomAD compares: African/African-American, 0.0014%; no homozygotes.

Submission:

GeneDx
Classification: Uncertain significance. Last evaluated: 2020-01-02. Review status: criteria provided, single submitter. Criteria: GeneDx Variant Classification Process June 2021. Collection method: clinical testing. Allele origin: germline. Affected: yes.
Comment: Has not been previously published as pathogenic or benign to our knowledge; Not observed in large population cohorts (Lek et al., 2016); In silico analysis, which includes protein predictors and evolutionary conservation, supports a deleterious effect